The following is an entry in ClinVar:

NM_001037283.2(EIF3B):c.1172T>G (p.Phe391Cys)

Gene: EIF3B (eukaryotic translation initiation factor 3 subunit B; plus strand). Cytogenetic location: 7p22.3.
Variant type: single nucleotide variant.
Coding change: c.1172T>G on transcript NM_001037283.2 (MANE Select); coding-DNA position 1172, T replaced by G.
Protein change: p.Phe391Cys; replaces phenylalanine 391 with cysteine.
Molecular consequence: missense variant.
Genome position (GRCh38, 1-based): chr7:2,366,331, T>G. VCF-style: chr7-2366331-T-G. GRCh37 (hg19) VCF-style: chr7-2405966-T-G.
Other names: c.1172T>G, p.Phe391Cys (NM_001362791.2, NM_003751.4); c.356T>G, p.Phe119Cys (NM_001362792.2, NM_001362793.2); short protein forms F391C, F119C.
Identifiers: ClinVar variation 5009498 (VCV005009498.1).

ClinVar aggregate classification (germline): Uncertain significance (1 of 4 stars; one submission).

Submission:

GeneDx
Classification: Uncertain significance. Last evaluated: 2026-03-19. Review status: criteria provided, single submitter. Criteria: GeneDx Variant Classification Process June 2021. Collection method: clinical testing. Allele origin: germline.
Comment: Not observed at significant frequency in large population cohorts (gnomAD); In silico analysis supports that this missense variant has a deleterious effect on protein structure/function; Has not been previously published as pathogenic or benign to our knowledge